The following is an entry in ClinVar:

NM_004787.4(SLIT2):c.3536G>A (p.Arg1179Gln)

Gene: SLIT2 (slit guidance ligand 2; plus strand). Cytogenetic location: 4p15.31.
Variant type: single nucleotide variant.
Coding change: c.3536G>A on transcript NM_004787.4 (MANE Select); coding-DNA position 3536, G replaced by A.
Protein change: p.Arg1179Gln; replaces arginine 1179 with glutamine.
Molecular consequence: missense variant.
Genome position (GRCh38, 1-based): chr4:20,596,630, G>A. VCF-style: chr4-20596630-G-A. GRCh37 (hg19) VCF-style: chr4-20598253-G-A.
Other names: c.3524G>A, p.Arg1175Gln (NM_001289135.3); c.3512G>A, p.Arg1171Gln (NM_001289136.3); short protein forms R1171Q, R1175Q, R1179Q.
Identifiers: ClinVar variation 3234295 (VCV003234295.22), dbSNP rs771378965, ClinGen allele CA2872199.

ClinVar aggregate classification (germline): Conflicting classifications of pathogenicity. Review status: criteria provided, conflicting classifications (1 of 4 stars). 2 submissions from 2 submitters: Uncertain significance (1); Likely benign (1). Last evaluated 2025-07-21.

Allele frequency attached by ClinVar (database versions not stated): gnomAD exomes 0.00004; ExAC 0.00006; gnomAD 0.00006; TOPMed 0.00007.
gnomAD v4.1: 67 of 1,613,294 alleles (0.0042%); highest among the groups gnomAD compares: East Asian, 0.013%; no homozygotes.

Submissions (2):

Labcorp Genetics (formerly Invitae), Labcorp
Classification: Uncertain significance. Last evaluated: 2025-07-21. Review status: criteria provided, single submitter. Criteria: Invitae Variant Classification Sherloc (09022015). Collection method: clinical testing. Allele origin: germline.
Comment: This sequence change replaces arginine, which is basic and polar, with glutamine, which is neutral and polar, at codon 1179 of the SLIT2 protein (p.Arg1179Gln). This variant is present in population databases (rs771378965, gnomAD 0.01%). This variant has not been reported in the literature in individuals affected with SLIT2-related conditions. ClinVar contains an entry for this variant (Variation ID: 3234295). An algorithm developed to predict the effect of missense changes on protein structure and function outputs the following: PolyPhen-2: "Benign". The glutamine amino acid residue is found in multiple mammalian species, which suggests that this missense change does not adversely affect protein function. In summary, the available evidence is currently insufficient to determine the role of this variant in disease. Therefore, it has been classified as a Variant of Uncertain Significance.

CeGaT Center for Human Genetics Tuebingen
Classification: Likely benign. Last evaluated: 2024-04-01. Review status: criteria provided, single submitter. Criteria: CeGaT Center For Human Genetics Tuebingen Variant Classification Criteria Version 2. Collection method: clinical testing. Allele origin: germline. Affected: yes. Observed: 1 variant allele.
Comment: SLIT2: BP4